The following is an entry in ClinVar:

ClinVar aggregate classification (germline): Benign/Likely benign. Review status: criteria provided, multiple submitters, no conflicts (2 of 4 stars). 4 submissions from 4 submitters: Benign (2); Likely benign (2). Last evaluated 2026-01-17.

Conditions:
Imerslund-Grasbeck syndrome. Also called: Imerslund-Gräsbeck syndrome; ENTEROCYTE COBALAMIN MALABSORPTION; ENTEROCYTE INTRINSIC FACTOR RECEPTOR, DEFECT OF; PERNICIOUS ANEMIA, JUVENILE, DUE TO SELECTIVE INTESTINAL MALABSORPTION OF VITAMIN B12, WITH PROTEINURIA; Megaloblastic anemia due to inborn errors of metabolism. Identifiers: Orphanet 35858, MedGen C4551825, MONDO:0009853.

Allele frequency attached by ClinVar (database versions not stated): 1000 Genomes Project 0.00040; 1000 Genomes Project 30x 0.00047; gnomAD 0.00197 and 0.00214; gnomAD exomes 0.00203; TOPMed 0.00219; ESP Exome Variant Server 0.00233; ExAC 0.00409.

Submissions (4):

Labcorp Genetics (formerly Invitae), Labcorp
Classification: Benign for Imerslund-Grasbeck syndrome. Last evaluated: 2026-01-17. Review status: criteria provided, single submitter. Criteria: Invitae Variant Classification Sherloc (09022015). Collection method: clinical testing. Allele origin: germline.

Mayo Clinic Laboratories, Mayo Clinic
Classification: Likely benign. Last evaluated: 2025-04-08. Review status: criteria provided, single submitter. Criteria: ACMG Guidelines, 2015. Collection method: clinical testing. Allele origin: germline. Observed: 1 variant allele.
Comment: BS1, BP4, BP7

Blueprint Genetics
Classification: Likely benign. Last evaluated: 2024-11-19. Review status: criteria provided, single submitter. Criteria: ACMG Guidelines, 2015. Collection method: clinical testing. Allele origin: germline.

Breakthrough Genomics
Classification: Benign. Review status: criteria provided, single submitter. Criteria: ACMG Guidelines, 2015. Collection method: not provided. Allele origin: germline. Inheritance: Autosomal recessive inheritance. Affected: yes.

NM_030943.4(AMN):c.208-16C>T

Genes: AMN (amnion associated transmembrane protein; plus strand), LOC130056553 (ATAC-STARR-seq lymphoblastoid silent region 6135; plus strand). Cytogenetic location: 14q32.32.
Variant type: single nucleotide variant.
Coding change: c.208-16C>T on transcript NM_030943.4 (MANE Select); 16 bases into the intron before coding-DNA position 208, C replaced by T.
Molecular consequence: intron variant.
Genome position (GRCh38, 1-based): chr14:102,928,410, C>T. VCF-style: chr14-102928410-C-T. GRCh37 (hg19) VCF-style: chr14-103394747-C-T.
Other names: p.?; c.208-16C>T (NM_030943.3).
Identifiers: ClinVar variation 1639284 (VCV001639284.11), dbSNP rs202004969, ClinGen allele CA7359821.
Genomic context (GRCh38, chr14:102,928,410, plus strand): 5'-GGGGACTGGGGGCGGGGTGGGCGCGGAGCAGGCCCGGACCCCCGCGTGGCGCCGCCTCAG[C>T]CCGTGTCTCTTGCAGCTCCTGCCGCTGGATGGGGAACTCGTCCTGGCTTCAGGAGCCGGA-3'